The following is an entry in ClinVar:

NM_138295.5(PKD1L1):c.8048C>G (p.Thr2683Arg)

Genes: PKD1L1 (polycystin 1 like 1, transient receptor potential channel interacting; minus strand), PKD1L1-AS1 (PKD1L1 antisense RNA 1; plus strand). Cytogenetic location: 7p12.3.
Variant type: single nucleotide variant.
Coding change: c.8048C>G on transcript NM_138295.5 (MANE Select); coding-DNA position 8048, C replaced by G.
Protein change: p.Thr2683Arg; replaces threonine 2683 with arginine.
Molecular consequence: missense variant.
Genome position (GRCh38, 1-based): chr7:47,800,794, G>C on the plus strand (C>G on the coding strand, the complement: PKD1L1 is on the minus strand). VCF-style: chr7-47800794-G-C. GRCh37 (hg19) VCF-style: chr7-47840392-G-C.
Other names: short protein forms T2683R.
Identifiers: ClinVar variation 3054094 (VCV003054094.2), dbSNP rs539066571, ClinGen allele CA4251832.
Genomic context (GRCh38, chr7:47,800,794, plus strand): 5'-AGGAGGCAGTCTTTTTGGCTTCTTCTGGGAAAATGAAACAGCAGCCCGGGGAAGGCGTCT[G>C]TGAAGGTGCCAGGTGGTAGAACCCACATAGAGAGCAGAAATCGGTGCAGGTGGGAGAGGG-3'
Protein context (NP_612152.1, residues 2673-2693): SMWVLPPGTF[Thr2683Arg]DAFPGLLFHF

ClinVar aggregate classification (germline): Likely benign (0 of 4 stars; one submission).

Conditions:
PKD1L1-related disorder. Also called: PKD1L1-related condition.

Allele frequency attached by ClinVar (database versions not stated): TOPMed 0.00003; 1000 Genomes Project 0.00120; 1000 Genomes Project 30x 0.00125.
gnomAD v4.1: 255 of 1,614,182 alleles (0.016%); highest among the groups gnomAD compares: South Asian, 0.27%; no homozygotes.

Submission:

PreventionGenetics, part of Exact Sciences
Classification: Likely benign for PKD1L1-related condition. Last evaluated: 2023-11-16. Review status: no assertion criteria provided. Collection method: clinical testing. Allele origin: germline.
Comment: This variant is classified as likely benign based on ACMG/AMP sequence variant interpretation guidelines (Richards et al. 2015 PMID: 25741868, with internal and published modifications).